The following is an entry in ClinVar:

ClinVar aggregate classification (germline): Uncertain significance (1 of 4 stars; one submission).

Allele frequency attached by ClinVar (database versions not stated): gnomAD exomes below 0.00001; ExAC 0.00002.
gnomAD v4.1: 6 of 1,609,988 alleles (0.00037%); highest among the groups gnomAD compares: African/African-American, 0.0013%; no homozygotes.

Submission:

Labcorp Genetics (formerly Invitae), Labcorp
Classification: Uncertain significance. Last evaluated: 2022-07-21. Review status: criteria provided, single submitter. Criteria: Invitae Variant Classification Sherloc (09022015). Collection method: clinical testing. Allele origin: germline.
Comment: This sequence change replaces proline, which is neutral and non-polar, with leucine, which is neutral and non-polar, at codon 811 of the COL18A1 protein (p.Pro811Leu). The frequency data for this variant in the population databases is considered unreliable, as metrics indicate poor data quality at this position in the gnomAD database. This variant has not been reported in the literature in individuals affected with COL18A1-related conditions. Experimental studies and prediction algorithms are not available or were not evaluated, and the functional significance of this variant is currently unknown. In summary, the available evidence is currently insufficient to determine the role of this variant in disease. Therefore, it has been classified as a Variant of Uncertain Significance.

NM_001379500.1(COL18A1):c.2432C>T (p.Pro811Leu)

Gene: COL18A1 (collagen type XVIII alpha 1 chain; plus strand). Cytogenetic location: 21q22.3.
Variant type: single nucleotide variant.
Coding change: c.2432C>T on transcript NM_001379500.1 (MANE Select); coding-DNA position 2432, C replaced by T.
Protein change: p.Pro811Leu; replaces proline 811 with leucine.
Molecular consequence: missense variant.
Genome position (GRCh38, 1-based): chr21:45,494,914, C>T. VCF-style: chr21-45494914-C-T. GRCh37 (hg19) VCF-style: chr21-46914828-C-T.
Other names: c.2972C>T, p.Pro991Leu (NM_030582.4); c.3677C>T, p.Pro1226Leu (NM_130444.3); short protein forms P1226L, P991L, P811L.
Identifiers: ClinVar variation 2185880 (VCV002185880.1), dbSNP rs757125709, ClinGen allele CA10067082.